The following is an entry in ClinVar:

ClinVar aggregate classification (germline): Conflicting classifications of pathogenicity. Review status: criteria provided, conflicting classifications (1 of 4 stars). 2 submissions from 2 submitters: Uncertain significance (1); Likely benign (1). Last evaluated 2025-08-18.

Conditions:
Emery-Dreifuss muscular dystrophy 5, autosomal dominant (EDMD5). Also called: EMERY-DREIFUSS MUSCULAR DYSTROPHY 5. Identifiers: Orphanet 261, MedGen C2751805, MONDO:0013072, OMIM 612999.

gnomAD v4.1: 35 of 1,612,504 alleles (0.0022%); highest among the groups gnomAD compares: Non-Finnish European, 0.0027%; no homozygotes.

Submissions (2):

Labcorp Genetics (formerly Invitae), Labcorp
Classification: Uncertain significance for Emery-Dreifuss muscular dystrophy 5, autosomal dominant. Last evaluated: 2025-08-18. Review status: criteria provided, single submitter. Criteria: Invitae Variant Classification Sherloc (09022015). Collection method: clinical testing. Allele origin: germline.
Comment: This sequence change replaces glutamic acid, which is acidic and polar, with lysine, which is basic and polar, at codon 2957 of the SYNE2 protein (p.Glu2957Lys). This variant is present in population databases (rs376819071, gnomAD 0.002%). This variant has not been reported in the literature in individuals affected with SYNE2-related conditions. ClinVar contains an entry for this variant (Variation ID: 3803433). An algorithm developed to predict the effect of missense changes on protein structure and function outputs the following: PolyPhen-2: "Benign". The lysine amino acid residue is found in multiple mammalian species, which suggests that this missense change does not adversely affect protein function. In summary, the available evidence is currently insufficient to determine the role of this variant in disease. Therefore, it has been classified as a Variant of Uncertain Significance.

Ambry Genetics
Classification: Likely benign. Last evaluated: 2025-01-31. Review status: criteria provided, single submitter. Criteria: Ambry Variant Classification Scheme 2023. Collection method: clinical testing. Allele origin: germline.

NM_182914.3(SYNE2):c.8869G>A (p.Glu2957Lys)

Gene: SYNE2 (spectrin repeat containing nuclear envelope protein 2; plus strand). Cytogenetic location: 14q23.2.
Variant type: single nucleotide variant.
Coding change: c.8869G>A on transcript NM_182914.3 (MANE Select); coding-DNA position 8869, G replaced by A.
Protein change: p.Glu2957Lys; replaces glutamic acid 2957 with lysine.
Molecular consequence: missense variant.
Genome position (GRCh38, 1-based): chr14:64,052,782, G>A. VCF-style: chr14-64052782-G-A. GRCh37 (hg19) VCF-style: chr14-64519500-G-A.
Other names: c.8869G>A, p.Glu2957Lys (NM_015180.6); short protein forms E2957K.
Identifiers: ClinVar variation 3803433 (VCV003803433.2).